The following is an entry in ClinVar:

NM_004656.4(BAP1):c.463A>T (p.Lys155Ter)

Gene: BAP1 (BRCA1 associated deubiquitinase 1; minus strand). Cytogenetic location: 3p21.1.
Variant type: single nucleotide variant.
Coding change: c.463A>T on transcript NM_004656.4 (MANE Select); coding-DNA position 463, A replaced by T.
Protein change: p.Lys155Ter; replaces lysine 155 with a stop codon.
Molecular consequence: nonsense.
Genome position (GRCh38, 1-based): chr3:52,407,291, T>A on the plus strand (A>T on the coding strand, the complement: BAP1 is on the minus strand). VCF-style: chr3-52407291-T-A. GRCh37 (hg19) VCF-style: chr3-52441307-T-A.
Other names: c.463A>T (NM_004656.2); short protein forms K155*.
Identifiers: ClinVar variation 944299 (VCV000944299.8), dbSNP rs1705196773, ClinGen allele CA353110270.

ClinVar aggregate classification (germline): Pathogenic. Review status: criteria provided, multiple submitters, no conflicts (2 of 4 stars). 2 submissions from 2 submitters: Pathogenic (2). Last evaluated 2024-08-19.

Conditions:
BAP1-related tumor predisposition syndrome (TPDS1). Also called: BAP1 tumor predisposition syndrome; COMMON Syndrome; TUMOR PREDISPOSITION SYNDROME 1; Tumor susceptibility linked to germline BAP1 mutations. Identifiers: Orphanet 289539, MedGen C3280492, MONDO:0013692, OMIM 614327.
Hereditary cancer-predisposing syndrome. Also called: Neoplastic Syndromes, Hereditary; Hereditary Cancer Syndrome; Tumor predisposition; Hereditary neoplastic syndrome. Identifiers: Orphanet 140162, MedGen C0027672, MeSH D009386, MONDO:0015356.

Submissions (2):

Labcorp Genetics (formerly Invitae), Labcorp
Classification: Pathogenic for BAP1-related tumor predisposition syndrome. Last evaluated: 2024-08-19. Review status: criteria provided, single submitter. Criteria: Invitae Variant Classification Sherloc (09022015). Collection method: clinical testing. Allele origin: germline.
Comment: This sequence change creates a premature translational stop signal (p.Lys155*) in the BAP1 gene. It is expected to result in an absent or disrupted protein product. Loss-of-function variants in BAP1 are known to be pathogenic (PMID: 21874000, 23684012). This variant is not present in population databases (gnomAD no frequency). This variant has not been reported in the literature in individuals affected with BAP1-related conditions. ClinVar contains an entry for this variant (Variation ID: 944299). For these reasons, this variant has been classified as Pathogenic.

Ambry Genetics
Classification: Pathogenic for Hereditary cancer-predisposing syndrome. Last evaluated: 2024-06-10. Review status: criteria provided, single submitter. Criteria: Ambry Variant Classification Scheme 2023. Collection method: clinical testing. Allele origin: germline.
Comment: The p.K155* pathogenic mutation (also known as c.463A>T), located in coding exon 7 of the BAP1 gene, results from an A to T substitution at nucleotide position 463. This changes the amino acid from a lysine to a stop codon within coding exon 7. This variant is considered to be rare based on population cohorts in the Genome Aggregation Database (gnomAD). This alteration is expected to result in loss of function by premature protein truncation or nonsense-mediated mRNA decay. As such, this alteration is interpreted as a disease-causing mutation.

Literature cited by the submitters: PubMed 21874000 (cited by Labcorp Genetics (formerly Invitae), Labcorp); PubMed 23684012 (cited by Labcorp Genetics (formerly Invitae), Labcorp).